The following is an entry in ClinVar:

NM_172107.4(KCNQ2):c.844G>A (p.Asp282Asn)

Gene: KCNQ2 (potassium voltage-gated channel subfamily Q member 2; minus strand). Cytogenetic location: 20q13.33.
Variant type: single nucleotide variant.
Coding change: c.844G>A on transcript NM_172107.4 (MANE Select); coding-DNA position 844, G replaced by A.
Protein change: p.Asp282Asn; replaces aspartic acid 282 with asparagine.
Molecular consequence: missense variant.
Genome position (GRCh38, 1-based): chr20:63,439,681, C>T on the plus strand (G>A on the coding strand, the complement: KCNQ2 is on the minus strand). VCF-style: chr20-63439681-C-T. GRCh37 (hg19) VCF-style: chr20-62071034-C-T.
Other names: p.D282N:GAC>AAC; c.844G>A, p.Asp282Asn (NM_004518.6, NM_172106.3, NM_172108.5 and 1 more transcripts); short protein forms D282N.
Identifiers: ClinVar variation 205884 (VCV000205884.11), dbSNP rs796052636, ClinGen allele CA315404.

ClinVar aggregate classification (germline): Pathogenic/Likely pathogenic. Review status: criteria provided, multiple submitters, no conflicts (2 of 4 stars). 2 submissions from 2 submitters: Pathogenic (1); Likely pathogenic (1). Last evaluated 2020-01-29.

Conditions:
Early-infantile DEE. Also called: Ohtahara syndrome; Early infantile epileptic encephalopathy; Early infantile epileptic encephalopathy with suppression bursts. Identifiers: Orphanet 1934, MedGen C0393706, MONDO:0800491.

Submissions (2):

Labcorp Genetics (formerly Invitae), Labcorp
Classification: Likely pathogenic for Early-infantile DEE. Last evaluated: 2020-01-29. Review status: criteria provided, single submitter. Criteria: Invitae Variant Classification Sherloc (09022015). Collection method: clinical testing. Allele origin: germline.
Comment: This variant has been observed in individual(s) with clinical features of early infantile epileptic encephalopathy (PMID: 27602407). In at least one individual the variant was observed to be de novo. ClinVar contains an entry for this variant (Variation ID: 205884). In summary, the currently available evidence indicates that the variant is pathogenic, but additional data are needed to prove that conclusively. Therefore, this variant has been classified as Likely Pathogenic. This variant disrupts the p.Asp282 amino acid residue in KCNQ2. Other variant(s) that disrupt this residue have been determined to be pathogenic (PMID: 28133863, 25533962). This suggests that this residue is clinically significant, and that variants that disrupt this residue are likely to be disease-causing. Algorithms developed to predict the effect of missense changes on protein structure and function are either unavailable or do not agree on the potential impact of this missense change (SIFT: "Deleterious"; PolyPhen-2: "Probably Damaging"; Align-GVGD: "Class C15"). This variant is not present in population databases (ExAC no frequency). This sequence change replaces aspartic acid with asparagine at codon 282 of the KCNQ2 protein (p.Asp282Asn). The aspartic acid residue is highly conserved and there is a small physicochemical difference between aspartic acid and asparagine.

GeneDx
Classification: Pathogenic. Last evaluated: 2015-06-16. Review status: criteria provided, single submitter. Criteria: GeneDx Variant Classification (06012015). Collection method: clinical testing. Allele origin: germline. Affected: yes.
Comment: p.Asp282Asn (GAC>AAC): c.844 G>A in exon 6 of the KCNQ2 gene (NM_172107.2)The Asp282Asn missense change has not been published as a mutation, nor has it been reported as a benign polymorphism to our knowledge. It was not observed in approximately 6,500 individuals of European and African American ancestry in the NHLBI Exome Sequencing Project, indicating it is not a common benign variant in these populations. The amino acid substitution is non-conservative as a negatively charged Aspartic acid residue is replaced by an uncharged Asparagine residue. Asp282Asn alters a highly conserved position in the pore-forming loop between the fifth and sixth transmembrane domains of the KCNQ2 protein, where other missense mutations have been reported in association with epilepsy. In addition, multiple in-silico algorithms predict Asp282Asn may be damaging to the structure/function of the protein. Therefore, based on the currently available information, Asp282Asn is a strong candidate for a disease-causing mutation, although the possibility that it is a benign variant cannot be excluded. The variant is found in INFANT-EPI panel(s).

Literature cited by the submitters: PubMed 27602407 (cited by Labcorp Genetics (formerly Invitae), Labcorp); PubMed 28133863 (cited by Labcorp Genetics (formerly Invitae), Labcorp); PubMed 25533962 (cited by Labcorp Genetics (formerly Invitae), Labcorp).